The following is an entry in ClinVar:

NM_000283.4(PDE6B):c.915G>A (p.Thr305=)

Genes: PDE6B-AS1 (PDE6B antisense RNA 1; minus strand), PDE6B (phosphodiesterase 6B; plus strand). Cytogenetic location: 4p16.3.
Variant type: single nucleotide variant.
Coding change: c.915G>A on transcript NM_000283.4 (MANE Select); coding-DNA position 915, G replaced by A.
Protein change: p.Thr305=; no amino-acid change (threonine 305 retained).
Molecular consequence: synonymous variant. On other transcripts: 5 prime UTR variant (1).
Genome position (GRCh38, 1-based): chr4:654,142, G>A. VCF-style: chr4-654142-G-A. GRCh37 (hg19) VCF-style: chr4-647931-G-A.
Other names: p.T305T:ACG>ACA; c.915G>A, p.Thr305= (NM_001145291.2); c.78G>A, p.Thr26= (NM_001145292.2, NM_001350154.3, NM_001379246.1 and 1 more transcripts); c.-126G>A (NM_001350155.3).
Identifiers: ClinVar variation 138640 (VCV000138640.18), dbSNP rs75695239, ClinGen allele CA203001.

ClinVar aggregate classification (germline): Benign/Likely benign. Review status: criteria provided, multiple submitters, no conflicts (2 of 4 stars). 6 submissions from 5 submitters: Benign (4); Likely benign (2). Last evaluated 2026-02-02.

Conditions:
Retinitis pigmentosa (RP). Identifiers: Orphanet 791, MedGen C0035334, MeSH D012174, MONDO:0019200, OMIM 268000. Inheritance: Autosomal dominant, autosomal recessive and X linked inheritance.
Congenital stationary night blindness autosomal dominant 2. Also called: NIGHT BLINDNESS, CONGENITAL STATIONARY, RAMBUSCH TYPE. Identifiers: Orphanet 215, MedGen C1876182, MONDO:0008099, OMIM 163500.

Allele frequency attached by ClinVar (database versions not stated): gnomAD exomes 0.03869 and 0.04208; ExAC 0.03924; 1000 Genomes Project 0.04133; 1000 Genomes Project 30x 0.04403; TOPMed 0.04928; gnomAD 0.05029 and 0.05186; ESP Exome Variant Server 0.05491.

Submissions (6):

Labcorp Genetics (formerly Invitae), Labcorp
Classification: Benign. Last evaluated: 2026-02-02. Review status: criteria provided, single submitter. Criteria: Invitae Variant Classification Sherloc (09022015). Collection method: clinical testing. Allele origin: germline.

Illumina Laboratory Services, Illumina
Classification: Likely benign for Retinitis pigmentosa. Last evaluated: 2018-01-12. Review status: criteria provided, single submitter. Criteria: ICSL Variant Classification Criteria 13 December 2019. Collection method: clinical testing. Allele origin: germline.
Comment: This variant was observed in the ICSL laboratory as part of a predisposition screen in an ostensibly healthy population. It had not been previously curated by ICSL or reported in the Human Gene Mutation Database (HGMD: prior to June 1st, 2018), and was therefore a candidate for classification through an automated scoring system. Utilizing variant allele frequency, disease prevalence and penetrance estimates, and inheritance mode, an automated score was calculated to assess if this variant is too frequent to cause the disease. Based on the score and internal cut-off values, a variant classified as likely benign is not then subjected to further curation. The score for this variant resulted in a classification of likely benign for this disease.

Illumina Laboratory Services, Illumina
Classification: Benign for Congenital stationary night blindness autosomal dominant 2. Last evaluated: 2018-01-12. Review status: criteria provided, single submitter. Criteria: ICSL Variant Classification Criteria 13 December 2019. Collection method: clinical testing. Allele origin: germline.
Comment: This variant was observed in the ICSL laboratory as part of a predisposition screen in an ostensibly healthy population. It had not been previously curated by ICSL or reported in the Human Gene Mutation Database (HGMD: prior to June 1st, 2018), and was therefore a candidate for classification through an automated scoring system. Utilizing variant allele frequency, disease prevalence and penetrance estimates, and inheritance mode, an automated score was calculated to assess if this variant is too frequent to cause the disease. Based on the score and internal cut-off values, a variant classified as benign is not then subjected to further curation. The score for this variant resulted in a classification of benign for this disease.

Eurofins Ntd Llc (ga)
Classification: Benign. Last evaluated: 2014-08-04. Review status: criteria provided, single submitter. Criteria: EGL Classification Definitions 2015. Collection method: clinical testing. Allele origin: germline. Observed: 1 variant allele, 1 heterozygote.

GeneDx
Classification: Benign. Last evaluated: 2011-07-18. Review status: criteria provided, single submitter. Criteria: GeneDx Variant Classification (06012015). Collection method: clinical testing. Allele origin: germline. Affected: yes.
Comment: This variant is considered likely benign or benign based on one or more of the following criteria: it is a conservative change, it occurs at a poorly conserved position in the protein, it is predicted to be benign by multiple in silico algorithms, and/or has population frequency not consistent with disease.

Breakthrough Genomics
Classification: Likely benign. Review status: criteria provided, single submitter. Criteria: ACMG Guidelines, 2015. Collection method: not provided. Allele origin: germline. Inheritance: Autosomal recessive inheritance. Affected: yes.